The following is an entry in ClinVar:

NM_012293.3(PXDN):c.1964A>G (p.Asn655Ser)

Gene: PXDN (peroxidasin; minus strand). Cytogenetic location: 2p25.3.
Variant type: single nucleotide variant.
Coding change: c.1964A>G on transcript NM_012293.3 (MANE Select); coding-DNA position 1964, A replaced by G.
Protein change: p.Asn655Ser; replaces asparagine 655 with serine.
Molecular consequence: missense variant.
Genome position (GRCh38, 1-based): chr2:1,653,768, T>C on the plus strand (A>G on the coding strand, the complement: PXDN is on the minus strand). VCF-style: chr2-1653768-T-C. GRCh37 (hg19) VCF-style: chr2-1657540-T-C.
Other names: c.1964A>G (NM_012293.1); short protein forms N655S.
Identifiers: ClinVar variation 3008746 (VCV003008746.2), dbSNP rs773445177, ClinGen allele CA1513124.

ClinVar aggregate classification (germline): Uncertain significance. Review status: criteria provided, multiple submitters, no conflicts (2 of 4 stars). 2 submissions from 2 submitters: Uncertain significance (2). Last evaluated 2023-05-13.

Conditions:
Inborn genetic diseases. Identifiers: MedGen C0950123, MeSH D030342.
Anterior segment dysgenesis 7 (ASGD7). Also called: SCLEROCORNEA WITH OTHER OCULAR ANOMALIES; Anterior segment dysgenesis 7, with sclerocornea. Identifiers: Orphanet 289499, MedGen C3151617, MONDO:0010015, OMIM 269400.

gnomAD v4.1: 143 of 1,580,338 alleles (0.009%); highest among the groups gnomAD compares: Admixed American, 0.056%; no homozygotes.

Submissions (2):

Labcorp Genetics (formerly Invitae), Labcorp
Classification: Uncertain significance for Anterior segment dysgenesis 7. Last evaluated: 2023-05-13. Review status: criteria provided, single submitter. Criteria: Invitae Variant Classification Sherloc (09022015). Collection method: clinical testing. Allele origin: germline.
Comment: This variant has not been reported in the literature in individuals affected with PXDN-related conditions. In summary, the available evidence is currently insufficient to determine the role of this variant in disease. Therefore, it has been classified as a Variant of Uncertain Significance. Advanced modeling of protein sequence and biophysical properties (such as structural, functional, and spatial information, amino acid conservation, physicochemical variation, residue mobility, and thermodynamic stability) performed at Invitae indicates that this missense variant is not expected to disrupt PXDN protein function. This variant is present in population databases (rs773445177, gnomAD 0.03%). This sequence change replaces asparagine, which is neutral and polar, with serine, which is neutral and polar, at codon 655 of the PXDN protein (p.Asn655Ser).

Ambry Genetics
Classification: Uncertain significance for Inborn genetic diseases. Last evaluated: 2021-09-16. Review status: criteria provided, single submitter. Criteria: Ambry Variant Classification Scheme 2023. Collection method: clinical testing. Allele origin: germline.